The following is an entry in ClinVar:

ClinVar aggregate classification (germline): Benign/Likely benign. Review status: criteria provided, multiple submitters, no conflicts (2 of 4 stars). 15 submissions from 14 submitters: Benign (7); Likely benign (5). 3 of the submissions do not count toward it. Last evaluated 2026-09-01.

Conditions:
Adams-Oliver syndrome 5 (AOS5). Identifiers: Orphanet 974, MedGen C4014970, MONDO:0014459, OMIM 616028.
Familial thoracic aortic aneurysm and aortic dissection (TAAD). Also called: Thoracic aortic aneurysms and dissections. Identifiers: Orphanet 91387, MedGen C4707243, MONDO:0019625.
Aortic valve disease 1 (AOVD1). Identifiers: MedGen C3887892, MONDO:0024523, OMIM 109730.

Allele frequency attached by ClinVar (database versions not stated): 1000 Genomes Project 0.00060; 1000 Genomes Project 30x 0.00109; ESP Exome Variant Server 0.00126; TOPMed 0.00190; gnomAD 0.00230 and 0.00238; gnomAD exomes 0.00240 and 0.00244; ExAC 0.00429.
gnomAD v4.1: 3,721 of 1,562,170 alleles (0.24%); highest among the groups gnomAD compares: Non-Finnish European, 0.27%; 12 homozygotes.

Submissions (15):

CeGaT Center for Human Genetics Tuebingen
Classification: Likely benign. Last evaluated: 2026-09-01. Review status: criteria provided, single submitter. Criteria: CeGaT Center For Human Genetics Tuebingen Variant Classification Criteria Version 2. Collection method: clinical testing. Allele origin: germline. Affected: yes. Observed: 31 variant alleles.
Comment: NOTCH1: BP4, BP7

Labcorp Genetics (formerly Invitae), Labcorp
Classification: Benign for Adams-Oliver syndrome 5. Last evaluated: 2026-02-04. Review status: criteria provided, single submitter. Criteria: Invitae Variant Classification Sherloc (09022015). Collection method: clinical testing. Allele origin: germline.

Mayo Clinic Laboratories, Mayo Clinic
Classification: Likely benign. Last evaluated: 2025-09-24. Review status: criteria provided, single submitter. Criteria: ACMG Guidelines, 2015. Collection method: clinical testing. Allele origin: germline. Observed: 9 variant alleles.
Comment: BS1, BP4, BP7

ARUP Laboratories, Molecular Genetics and Genomics, ARUP Laboratories
Classification: Benign. Last evaluated: 2025-05-23. Review status: criteria provided, single submitter. Criteria: ARUP Molecular Germline Variant Investigation Process 2024. Collection method: clinical testing. Allele origin: germline.

Blueprint Genetics
Classification: Likely benign. Last evaluated: 2024-11-27. Review status: criteria provided, single submitter. Criteria: ACMG Guidelines, 2015. Collection method: clinical testing. Allele origin: germline.

Women's Health and Genetics/Laboratory Corporation of America, LabCorp
Classification: Benign. Last evaluated: 2023-07-21. Review status: criteria provided, single submitter. Criteria: LabCorp Variant Classification Summary - May 2015. Collection method: clinical testing. Allele origin: germline.

Genome-Nilou Lab
Classification: Benign for Adams-Oliver syndrome 5. Last evaluated: 2022-03-15. Review status: criteria provided, single submitter. Criteria: ACMG Guidelines, 2015. Collection method: clinical testing. Allele origin: germline. Affected: no.

Genome-Nilou Lab
Classification: Benign for Aortic valve disease 1. Last evaluated: 2022-03-15. Review status: criteria provided, single submitter. Criteria: ACMG Guidelines, 2015. Collection method: clinical testing. Allele origin: germline. Affected: no.

GeneDx
Classification: Benign. Last evaluated: 2017-12-20. Review status: criteria provided, single submitter. Criteria: GeneDx Variant Classification (06012015). Collection method: clinical testing. Allele origin: germline. Affected: yes.
Comment: This variant is considered likely benign or benign based on one or more of the following criteria: it is a conservative change, it occurs at a poorly conserved position in the protein, it is predicted to be benign by multiple in silico algorithms, and/or has population frequency not consistent with disease.

CHEO Genetics Diagnostic Laboratory, Children's Hospital of Eastern Ontario
Classification: Benign for Familial thoracic aortic aneurysm and aortic dissection. Last evaluated: 2016-03-29. Review status: criteria provided, single submitter. Criteria: ACMG Guidelines, 2015. Collection method: clinical testing. Allele origin: germline. Study: Canadian Open Genetics Repository.

Ambry Genetics
Classification: Likely benign for Familial thoracic aortic aneurysm and aortic dissection. Last evaluated: 2015-08-14. Review status: criteria provided, single submitter. Criteria: Ambry Variant Classification Scheme 2023. Collection method: clinical testing. Allele origin: germline.

Breakthrough Genomics
Classification: Likely benign. Review status: criteria provided, single submitter. Criteria: ACMG Guidelines, 2015. Collection method: not provided. Allele origin: germline. Inheritance: Autosomal dominant inheritance. Affected: yes.

Clinical Genetics DNA and cytogenetics Diagnostics Lab, Erasmus MC, Erasmus Medical Center
Classification: Likely benign. Review status: no assertion criteria provided. Collection method: clinical testing. Allele origin: germline. Affected: yes. Study: VKGL Data-share Consensus. Not counted in ClinVar's aggregate classification.

Clinical Genetics, Academic Medical Center
Classification: Benign. Review status: no assertion criteria provided. Collection method: clinical testing. Allele origin: germline. Affected: yes. Study: VKGL Data-share Consensus. Not counted in ClinVar's aggregate classification.

Genome Diagnostics Laboratory, Amsterdam University Medical Center
Classification: Likely benign. Review status: no assertion criteria provided. Collection method: clinical testing. Allele origin: germline. Affected: yes. Study: VKGL Data-share Consensus. Not counted in ClinVar's aggregate classification.

Literature cited by the submitters: PubMed 24943832 (cited by Women's Health and Genetics/Laboratory Corporation of America, LabCorp); PubMed 16614245 (cited by Women's Health and Genetics/Laboratory Corporation of America, LabCorp); PubMed 21670202 (cited by Women's Health and Genetics/Laboratory Corporation of America, LabCorp); PubMed 22210878 (cited by Women's Health and Genetics/Laboratory Corporation of America, LabCorp); PubMed 19635999 (cited by Women's Health and Genetics/Laboratory Corporation of America, LabCorp); PubMed 26837699 (cited by Women's Health and Genetics/Laboratory Corporation of America, LabCorp); PubMed 23086750 (cited by Women's Health and Genetics/Laboratory Corporation of America, LabCorp); PubMed 19245433 (cited by Women's Health and Genetics/Laboratory Corporation of America, LabCorp); PubMed 22077063 (cited by Women's Health and Genetics/Laboratory Corporation of America, LabCorp); PubMed 15472075 (cited by Women's Health and Genetics/Laboratory Corporation of America, LabCorp); PubMed 23734977 (cited by Women's Health and Genetics/Laboratory Corporation of America, LabCorp); PubMed 22858860 (cited by Women's Health and Genetics/Laboratory Corporation of America, LabCorp).

NM_017617.5(NOTCH1):c.5175C>T (p.Thr1725=)

Gene: NOTCH1 (notch receptor 1; minus strand). Cytogenetic location: 9q34.3.
Variant type: single nucleotide variant.
Coding change: c.5175C>T on transcript NM_017617.5 (MANE Select); coding-DNA position 5175, C replaced by T.
Protein change: p.Thr1725=; no amino-acid change (threonine 1725 retained).
Molecular consequence: synonymous variant.
Genome position (GRCh38, 1-based): chr9:136,502,481, G>A on the plus strand (C>T on the coding strand, the complement: NOTCH1 is on the minus strand). VCF-style: chr9-136502481-G-A. GRCh37 (hg19) VCF-style: chr9-139396933-G-A.
Other names: p.Thr1725=; c.5175C>T, p.Thr1725= (LRG_1122t1); c.5175C>T (NM_017617.4).
Identifiers: ClinVar variation 220737 (VCV000220737.56), dbSNP rs61751536, ClinGen allele CA350509.